The following is an entry in ClinVar:

NC_000009.11:g.(6592991_6595013)_(6620320_6644613)del

Gene: GLDC (glycine decarboxylase; minus strand). Cytogenetic location: 9p24.1.
Variant type: Deletion.
Identifiers: ClinVar variation 4535983 (VCV004535983.1).

ClinVar aggregate classification (germline): Pathogenic (1 of 4 stars; one submission).

Conditions:
Glycine encephalopathy. Also called: Nonketotic hyperglycinemia; Non-ketotic hyperglycinemia. Identifiers: Orphanet 407, MedGen C0751748, MONDO:0011612, HP:0008288.

Submission:

Women's Health and Genetics/Laboratory Corporation of America, LabCorp
Classification: Pathogenic for Glycine encephalopathy. Last evaluated: 2025-09-24. Review status: criteria provided, single submitter. Criteria: LabCorp Variant Classification Summary - May 2015. Collection method: clinical testing. Allele origin: germline.
Comment: Variant summary: The variant involves the deletion of exons 3-9 in the GLDC gene. This Copy Number Variant (CNV) is predicted to result in an in-frame deletion within this gene. Loss-of-function variants in this gene are known to be pathogenic. A presumed nomenclature of c.(334+1_335-1)_(1261+1_1262-1)del has been designated for the purposes of this classification. The variant was absent in 21694 control chromosomes. c.(334+1_335-1)_(1261+1_1262-1)del has been observed in individuals affected with Glycine Encephalopathy (Non-Ketotic Hyperglycinemia) (Kanno_2007, Coughlin_2017). These data indicate that the variant is likely to be associated with disease. To our knowledge, no experimental evidence demonstrating an impact on protein function has been reported. The following publications have been ascertained in the context of this evaluation (PMID: 17361008, 27362913). ClinVar contains an entry for a similar deletion (Variation ID: 3245154). Based on the evidence outlined above, the variant was classified as pathogenic.

Literature cited by the submitters: PubMed 27362913; PubMed 17361008.